The following is an entry in ClinVar:

ClinVar aggregate classification (germline): Pathogenic/Likely pathogenic. Review status: criteria provided, multiple submitters, no conflicts (2 of 4 stars). 3 submissions from 3 submitters: Pathogenic (1); Likely pathogenic (2). Last evaluated 2024-12-13.

Conditions:
Mitochondrial complex I deficiency, nuclear type 16. Also called: Mitochondrial complex 1 deficiency, nuclear type 16. Identifiers: MedGen C4748785, MONDO:0032621, OMIM 618238.
Mitochondrial complex I deficiency. Also called: NADH:Q(1) OXIDOREDUCTASE DEFICIENCY. Identifiers: Orphanet 2609, MedGen C1838979, MeSH C537475, MONDO:0100133.

Submissions (3):

Natera, Inc.
Classification: Likely pathogenic for Mitochondrial complex I deficiency. Last evaluated: 2024-12-13. Review status: criteria provided, single submitter. Criteria: Natera Variant Classification Schema (03/2026). Collection method: clinical testing. Allele origin: germline.
Comment: The c.277_280delGCTT variant in NDUFAF5 is a frameshift variant predicted to shift the reading frame beginning at codon 93 and leads to a stop codon 14 codons downstream. This variant is expected to result in nonsense mediated decay, truncation, or a dysfunctional protein product. This variant is rare in the general population with a frequency below the threshold expected for the associated phenotype(s). Given the available evidence, this variant is classified as Likely Pathogenic.

Labcorp Genetics (formerly Invitae), Labcorp
Classification: Pathogenic. Last evaluated: 2023-12-01. Review status: criteria provided, single submitter. Criteria: Invitae Variant Classification Sherloc (09022015). Collection method: clinical testing. Allele origin: germline.
Comment: This sequence change creates a premature translational stop signal (p.Ala93Trpfs*14) in the NDUFAF5 gene. It is expected to result in an absent or disrupted protein product. Loss-of-function variants in NDUFAF5 are known to be pathogenic (PMID: 26275793, 30473481, 32918965). This variant is present in population databases (no rsID available, gnomAD 0.01%). This variant has not been reported in the literature in individuals affected with NDUFAF5-related conditions. ClinVar contains an entry for this variant (Variation ID: 1909379). For these reasons, this variant has been classified as Pathogenic.

Baylor Genetics
Classification: Likely pathogenic for Mitochondrial complex I deficiency, nuclear type 16. Last evaluated: 2023-11-30. Review status: criteria provided, single submitter. Criteria: ACMG Guidelines, 2015. Collection method: clinical testing. Allele origin: unknown.

Literature cited by the submitters: PubMed 26275793 (cited by Labcorp Genetics (formerly Invitae), Labcorp); PubMed 30473481 (cited by Labcorp Genetics (formerly Invitae), Labcorp); PubMed 32918965 (cited by Labcorp Genetics (formerly Invitae), Labcorp).

NM_024120.5(NDUFAF5):c.277_280del (p.Ala93fs)

Gene: NDUFAF5 (NADH:ubiquinone oxidoreductase complex assembly factor 5; plus strand). Cytogenetic location: 20p12.1.
Variant type: Deletion.
Coding change: c.277_280del on transcript NM_024120.5 (MANE Select); coding-DNA positions 277 to 280, 4 bases deleted (GCTT; older notation c.277_280delGCTT).
Protein change: p.Ala93fs; shifts the reading frame from alanine 93.
Molecular consequence: frameshift variant. On other transcripts: 5 prime UTR variant (3), non-coding transcript variant (7).
Genome position (GRCh38, 1-based): chr20:13,788,602-13,788,605, GCTT deleted; deleting any 4 consecutive bases within chr20:13,788,599-13,788,605 gives the same sequence; the c. name uses the placement nearest the transcript's 3' end. VCF-style (leftmost placement, unchanged base first): chr20-13788598-CCTTG-C. GRCh37 (hg19) VCF-style: chr20-13769244-CCTTG-C.
Other names: c.277_280del, p.Ala93fs (NM_001039375.3, NM_001352408.2); c.-91_-88del (NM_001352403.2); c.-305_-302del (NM_001352406.2); c.-285_-282del (NM_001352407.2); c.277_280delGCTT (NM_024120.4); short protein forms A93fs.
Identifiers: ClinVar variation 1909379 (VCV001909379.7), dbSNP rs1359847895, ClinGen allele CA634475537.